The following is an entry in ClinVar:

NM_020458.4(TTC7A):c.556C>T (p.Arg186Cys)

Genes: TTC7A (tetratricopeptide repeat domain 7A; plus strand), LOC126806211 (CDK7 strongly-dependent group 2 enhancer GRCh37_chr2:47201305-47202504; plus strand). Cytogenetic location: 2p21.
Variant type: single nucleotide variant.
Coding change: c.556C>T on transcript NM_020458.4 (MANE Select); coding-DNA position 556, C replaced by T.
Protein change: p.Arg186Cys; replaces arginine 186 with cysteine.
Molecular consequence: missense variant. On other transcripts: 5 prime UTR variant (1).
Genome position (GRCh38, 1-based): chr2:46,975,011, C>T. VCF-style: chr2-46975011-C-T. GRCh37 (hg19) VCF-style: chr2-47202150-C-T.
Other names: c.556C>T, p.Arg186Cys (NM_001288951.2); c.454C>T, p.Arg152Cys (NM_001288953.2); c.-349C>T (NM_001288955.2); short protein forms R152C, R186C.
Identifiers: ClinVar variation 791075 (VCV000791075.14), dbSNP rs148347796, ClinGen allele CA1647252.

ClinVar aggregate classification (germline): Conflicting classifications of pathogenicity. Review status: criteria provided, conflicting classifications (1 of 4 stars). 4 submissions from 4 submitters: Uncertain significance (3); Likely benign (1). Last evaluated 2026-01-26.

Conditions:
Gastrointestinal defects and immunodeficiency syndrome 1 (GIDID1). Also called: Combined immunodeficiency-enteropathy spectrum. Identifiers: Orphanet 436252, MedGen C5968858, MONDO:0800030, OMIM 243150.
Multiple gastrointestinal atresias. Also called: FAMILIAL INTESTINAL POLYATRESIA SYNDROME; Multiple intestinal atresia. Identifiers: Orphanet 2300, MedGen C0220744, MONDO:0009465.

Allele frequency attached by ClinVar (database versions not stated): gnomAD exomes 0.00043; ExAC 0.00053; 1000 Genomes Project 30x 0.00078; 1000 Genomes Project 0.00080; ESP Exome Variant Server 0.00146; gnomAD 0.00155 and 0.00170; TOPMed 0.00160.
gnomAD v4.1: 527 of 1,614,042 alleles (0.033%); highest among the groups gnomAD compares: African/African-American, 0.53%; no homozygotes.

Submissions (4):

Labcorp Genetics (formerly Invitae), Labcorp
Classification: Likely benign for Multiple gastrointestinal atresias. Last evaluated: 2026-01-26. Review status: criteria provided, single submitter. Criteria: Invitae Variant Classification Sherloc (09022015). Collection method: clinical testing. Allele origin: germline.

Blueprint Genetics
Classification: Uncertain significance. Last evaluated: 2023-12-13. Review status: criteria provided, single submitter. Criteria: ACMG Guidelines, 2015. Collection method: clinical testing. Allele origin: germline.

Illumina Laboratory Services, Illumina
Classification: Uncertain significance for Gastrointestinal defects and immunodeficiency syndrome 1. Last evaluated: 2023-05-15. Review status: criteria provided, single submitter. Criteria: ICSLVariantClassificationCriteria RUGD 01 April 2020. Collection method: clinical testing. Allele origin: unknown.
Comment: The TTC7A c.556C>T (p.Arg186Cys) missense variant has not, to our knowledge, been reported in the peer-reviewed literature. The highest frequency of this allele in the Genome Aggregation Database is 0.005848 in the African/African American population. Based on the available evidence, the c.556C>T (p.Arg186Cys) variant is classified as a variant of uncertain significance for gastrointestinal defects and immunodeficiency syndrome.

GeneDx
Classification: Uncertain significance. Last evaluated: 2021-01-25. Review status: criteria provided, single submitter. Criteria: GeneDx Variant Classification Process June 2021. Collection method: clinical testing. Allele origin: germline. Affected: yes.
Comment: In silico analysis supports that this missense variant has a deleterious effect on protein structure/function; Has not been previously published as pathogenic or benign to our knowledge